The following is an entry in ClinVar:

NM_004187.5(KDM5C):c.228+1G>C

Gene: KDM5C (lysine demethylase 5C; minus strand). Cytogenetic location: Xp11.22.
Variant type: single nucleotide variant.
Coding change: c.228+1G>C on transcript NM_004187.5 (MANE Select); the canonical splice donor site of the intron after coding-DNA position 228, G replaced by C.
Molecular consequence: splice donor variant. On other transcripts: intron variant (1).
Genome position (GRCh38, 1-based): chrX:53,220,838, C>G on the plus strand (G>C on the coding strand, the complement: KDM5C is on the minus strand). VCF-style: chrX-53220838-C-G. GRCh37 (hg19) VCF-style: chrX-53250020-C-G.
Other names: c.228+1G>C (NM_001282622.3, NM_001353978.3, NM_001353982.2 and 3 more transcripts); c.151-2872G>C (NM_001146702.2).
Identifiers: ClinVar variation 1199543 (VCV001199543.3), dbSNP rs782320705, ClinGen allele CA413132242.

ClinVar aggregate classification (germline): Likely pathogenic (1 of 4 stars; one submission).

Submission:

GeneDx
Classification: Likely pathogenic. Last evaluated: 2019-09-09. Review status: criteria provided, single submitter. Criteria: GeneDx Variant Classification Process June 2021. Collection method: clinical testing. Allele origin: germline. Affected: yes.
Comment: Canonical splice site variant predicted to result in an in-frame deletion of a critical region (JmjN domain); Not observed in large population cohorts (Lek et al., 2016); Has not been previously published as pathogenic or benign to our knowledge